The following is an entry in ClinVar:

ClinVar aggregate classification (germline): Likely benign. Review status: criteria provided, single submitter (1 of 4 stars). 2 submissions from 2 submitters: Likely benign (1). 1 of the submissions does not count toward it. Last evaluated 2024-02-27.

Conditions:
Creatine transporter deficiency (CCDS1). Also called: CEREBRAL CREATINE DEFICIENCY SYNDROME 1; Mental retardation , X-linked with seizures, short stature and midface hypoplasia; Mental retardation , X-linked, with creatine transport deficiency; X-linked creatine transporter deficiency; X-linked creatine deficiency syndrome; SLC6A8-Related Creatine Transporter Deficiency. Identifiers: Orphanet 52503, MedGen C1845862, MONDO:0010305, OMIM 300352.
SLC6A8-related disorder. Also called: SLC6A8-related condition.

Allele frequency attached by ClinVar (database versions not stated): gnomAD exomes 0.00001; TOPMed 0.00003; ExAC 0.00006.

Submissions (2):

Labcorp Genetics (formerly Invitae), Labcorp
Classification: Likely benign for Creatine transporter deficiency. Last evaluated: 2024-02-27. Review status: criteria provided, single submitter. Criteria: Invitae Variant Classification Sherloc (09022015). Collection method: clinical testing. Allele origin: germline.

PreventionGenetics, part of Exact Sciences
Classification: Likely benign for SLC6A8-related condition. Last evaluated: 2019-09-24. Review status: no assertion criteria provided. Collection method: clinical testing. Allele origin: germline. Not counted in ClinVar's aggregate classification.
Comment: This variant is classified as likely benign based on ACMG/AMP sequence variant interpretation guidelines (Richards et al. 2015 PMID: 25741868, with internal and published modifications).

NM_005629.4(SLC6A8):c.1767+9C>A

Gene: SLC6A8 (solute carrier family 6 member 8; plus strand). Cytogenetic location: Xq28.
Variant type: single nucleotide variant.
Coding change: c.1767+9C>A on transcript NM_005629.4 (MANE Select); 9 bases into the intron after coding-DNA position 1767, C replaced by A.
Molecular consequence: intron variant.
Genome position (GRCh38, 1-based): chrX:153,694,898, C>A. VCF-style: chrX-153694898-C-A. GRCh37 (hg19) VCF-style: chrX-152960353-C-A.
Other names: c.1737+9C>A (NM_001142805.2); c.1422+9C>A (NM_001142806.1); c.1767+9C>A (NM_005629.3).
Identifiers: ClinVar variation 1084403 (VCV001084403.11), dbSNP rs782076464, ClinGen allele CA10549633.